The following is an entry in ClinVar:

ClinVar aggregate classification (germline): Benign. Review status: criteria provided, multiple submitters, no conflicts (2 of 4 stars). 2 submissions from 2 submitters: Benign (2). Last evaluated 2018-01-12.

Conditions:
Deficiency of 2-methylbutyryl-CoA dehydrogenase (ACADSB). Also called: 2-methylbutyryl-CoA dehydrogenase deficiency; SBCAD deficiency; 2-methylbutyric aciduria; Short branched-chain acyl-CoA dehydrogenase deficiency; 2-methylbutyrylglycinuria. Identifiers: Orphanet 79157, MedGen C1864912, MONDO:0012392, OMIM 610006, HP:0020147.

Allele frequency attached by ClinVar (database versions not stated): gnomAD exomes 0.05000; 1000 Genomes Project 30x 0.10056; 1000 Genomes Project 0.10104; TOPMed 0.10283; gnomAD 0.10328 and 0.10506.
gnomAD v4.1: 15,687 of 152,230 alleles (10%); highest among the groups gnomAD compares: African/African-American, 16%; 893 homozygotes.

Submissions (2):

Illumina Laboratory Services, Illumina
Classification: Benign for Deficiency of 2-methylbutyryl-CoA dehydrogenase. Last evaluated: 2018-01-12. Review status: criteria provided, single submitter. Criteria: ICSL Variant Classification Criteria 13 December 2019. Collection method: clinical testing. Allele origin: germline.
Comment: This variant was observed in the ICSL laboratory as part of a predisposition screen in an ostensibly healthy population. It had not been previously curated by ICSL or reported in the Human Gene Mutation Database (HGMD: prior to June 1st, 2018), and was therefore a candidate for classification through an automated scoring system. Utilizing variant allele frequency, disease prevalence and penetrance estimates, and inheritance mode, an automated score was calculated to assess if this variant is too frequent to cause the disease. Based on the score and internal cut-off values, a variant classified as benign is not then subjected to further curation. The score for this variant resulted in a classification of benign for this disease.

Breakthrough Genomics
Classification: Benign. Review status: criteria provided, single submitter. Criteria: ACMG Guidelines, 2015. Collection method: not provided. Allele origin: germline. Inheritance: Autosomal recessive inheritance. Affected: yes.

NM_001609.4(ACADSB):c.*2113G>A

Gene: ACADSB (acyl-CoA dehydrogenase short/branched chain; plus strand). Cytogenetic location: 10q26.13.
Variant type: single nucleotide variant.
Coding change: c.*2113G>A on transcript NM_001609.4 (MANE Select); 2113 bases downstream of the stop codon, G replaced by A.
Molecular consequence: 3 prime UTR variant.
Genome position (GRCh38, 1-based): chr10:123,055,878, G>A. VCF-style: chr10-123055878-G-A. GRCh37 (hg19) VCF-style: chr10-124815394-G-A.
Other names: c.*2113G>A (NM_001330174.3).
Identifiers: ClinVar variation 299126 (VCV000299126.6), dbSNP rs7922412, ClinGen allele CA10635140.